The following is an entry in ClinVar:

NM_001267727.2(ARSG):c.32C>T (p.Ala11Val)

Gene: ARSG (arylsulfatase G; plus strand). Cytogenetic location: 17q24.2.
Variant type: single nucleotide variant.
Coding change: c.32C>T on transcript NM_001267727.2 (MANE Select); coding-DNA position 32, C replaced by T.
Protein change: p.Ala11Val; replaces alanine 11 with valine.
Molecular consequence: missense variant.
Genome position (GRCh38, 1-based): chr17:68,307,525, C>T. VCF-style: chr17-68307525-C-T. GRCh37 (hg19) VCF-style: chr17-66303666-C-T.
Other names: c.32C>T, p.Ala11Val (NM_001352899.2, NM_001352900.2, NM_001352901.2 and 9 more transcripts); short protein forms A11V.
Identifiers: ClinVar variation 769924 (VCV000769924.17), dbSNP rs8074806, ClinGen allele CA8728097.

ClinVar aggregate classification (germline): Benign. Review status: criteria provided, multiple submitters, no conflicts (2 of 4 stars). 4 submissions from 4 submitters: Benign (3). 1 of the submissions does not count toward it. Last evaluated 2026-02-01.

Conditions:
ARSG-related disorder. Also called: ARSG-related condition.

Allele frequency attached by ClinVar (database versions not stated): gnomAD exomes 0.00153 and 0.00430; ExAC 0.00529; 1000 Genomes Project 0.01518; gnomAD 0.01608 and 0.01725; 1000 Genomes Project 30x 0.01655; TOPMed 0.01811; ESP Exome Variant Server 0.01822.
gnomAD v4.1: 4,770 of 1,613,934 alleles (0.3%); highest among the groups gnomAD compares: African/African-American, 5.5%; 118 homozygotes.

Submissions (7):

Labcorp Genetics (formerly Invitae), Labcorp
Classification: Benign. Last evaluated: 2026-02-01. Review status: criteria provided, single submitter. Criteria: Invitae Variant Classification Sherloc (09022015). Collection method: clinical testing. Allele origin: germline.

GeneDx
Classification: Benign. Last evaluated: 2021-05-05. Review status: criteria provided, single submitter. Criteria: GeneDx Variant Classification Process June 2021. Collection method: clinical testing. Allele origin: germline. Affected: yes.

Breakthrough Genomics
Classification: Benign. Review status: criteria provided, single submitter. Criteria: ACMG Guidelines, 2015. Collection method: not provided. Allele origin: germline. Inheritance: Autosomal recessive inheritance. Affected: yes.

PreventionGenetics, part of Exact Sciences
Classification: Benign for ARSG-related condition. Last evaluated: 2019-09-26. Review status: no assertion criteria provided. Collection method: clinical testing. Allele origin: germline. Not counted in ClinVar's aggregate classification.
Comment: This variant is classified as benign based on ACMG/AMP sequence variant interpretation guidelines (Richards et al. 2015 PMID: 25741868, with internal and published modifications).

Dr. Peter K. Rogan Lab, Western University
No classification provided (evidence only). Condition: Cervical cancer. Review status: no classification provided. Collection method: in vitro. Allele origin: not applicable. Functional consequence: retained intron. Not counted in ClinVar's aggregate classification.

Dr. Peter K. Rogan Lab, Western University
No classification provided (evidence only). Condition: Sarcoma. Review status: no classification provided. Collection method: in vitro. Allele origin: not applicable. Functional consequence: retained intron. Not counted in ClinVar's aggregate classification.

Dr. Peter K. Rogan Lab, Western University
No classification provided (evidence only). Condition: Uterine carcinosarcoma. Review status: no classification provided. Collection method: in vitro. Allele origin: not applicable. Functional consequence: retained intron. Not counted in ClinVar's aggregate classification.